The following is an entry in ClinVar:

NM_014927.5(CNKSR2):c.1831-4T>G

Gene: CNKSR2 (connector enhancer of kinase suppressor of Ras 2; plus strand). Cytogenetic location: Xp22.12.
Variant type: single nucleotide variant.
Coding change: c.1831-4T>G on transcript NM_014927.5 (MANE Select); 4 bases into the intron before coding-DNA position 1831, T replaced by G.
Molecular consequence: intron variant.
Genome position (GRCh38, 1-based): chrX:21,594,970, T>G. VCF-style: chrX-21594970-T-G. GRCh37 (hg19) VCF-style: chrX-21613088-T-G.
Other names: c.1741-4T>G (NM_001168647.3, NM_001330773.2); c.1684-4T>G (NM_001330770.2, NM_001168649.3); c.1594-4T>G (NM_001330772.2, NM_001330771.2); c.1831-4T>G (NM_001168648.3).
Identifiers: ClinVar variation 4882396 (VCV004882396.2).

ClinVar aggregate classification (germline): Uncertain significance (1 of 4 stars; one submission).

Submission:

Dasa
Classification: Uncertain significance. Last evaluated: 2024-11-08. Review status: criteria provided, single submitter. Criteria: DASA Assertion Criteria. Collection method: clinical testing. Allele origin: germline.
Comment: NM_014927.5(CNKSR2):c.1831-4T>G is a splice-region variant. This variant is absent from population databases. Computational prediction algorithms are consistent with a benign effect. The currently available literature and clinical evidence are not sufficient to establish a definitive association between this variant and the reported condition. Therefore, this variant is classified as a variant of uncertain significance.